The following is an entry in ClinVar:

ClinVar aggregate classification (germline): Likely benign (1 of 4 stars; one submission).

Conditions:
Hereditary diffuse gastric adenocarcinoma (HDGC). Also called: DIFFUSE GASTRIC AND LOBULAR BREAST CANCER SYNDROME. Identifiers: Orphanet 26106, MedGen C1708349, MONDO:0007648, OMIM 137215.

gnomAD v4.1: 1 of 1,609,514 alleles (0.000062%); highest among the groups gnomAD compares: South Asian, 0.0011%; no homozygotes.

Submission:

Myriad Genetics, Inc.
Classification: Likely benign for Hereditary diffuse gastric adenocarcinoma. Last evaluated: 2024-09-20. Review status: criteria provided, single submitter. Criteria: Myriad Autosomal Dominant, Autosomal Recessive and X-Linked Classification Criteria (2023). Collection method: clinical testing. Allele origin: unknown.
Comment: This variant is considered likely benign. This variant is intronic and is not expected to impact mRNA splicing.

NM_004360.5(CDH1):c.1936+7A>C

Gene: CDH1 (cadherin 1; plus strand). Cytogenetic location: 16q22.1.
Variant type: single nucleotide variant.
Coding change: c.1936+7A>C on transcript NM_004360.5 (MANE Select); 7 bases into the intron after coding-DNA position 1936, A replaced by C.
Molecular consequence: intron variant.
Genome position (GRCh38, 1-based): chr16:68,822,232, A>C. VCF-style: chr16-68822232-A-C. GRCh37 (hg19) VCF-style: chr16-68856135-A-C.
Other names: c.388+7A>C (NM_001317185.2); c.-30+7A>C (NM_001317186.2); c.1753+7A>C (NM_001317184.2).
Identifiers: ClinVar variation 3378560 (VCV003378560.1).
Genomic context (GRCh38, chr16:68,822,232, plus strand): 5'-CAGAACTAACACACGGGGCGAGTGCCAACTGGACCATTCAGTACAACGACCCAAGTGGGT[A>C]CCTGAGTTTTATTTTGGCAACTTTGCTCCAACTGCCATGCTTCCCTTCCCCCAGATCCCC-3'